The following is an entry in ClinVar:

NM_031407.7(HUWE1):c.12155G>C (p.Gly4052Ala)

Gene: HUWE1 (HECT, UBA and WWE domain containing E3 ubiquitin protein ligase 1; minus strand). Cytogenetic location: Xp11.22.
Variant type: single nucleotide variant.
Coding change: c.12155G>C on transcript NM_031407.7 (MANE Select); coding-DNA position 12155, G replaced by C.
Protein change: p.Gly4052Ala; replaces glycine 4052 with alanine.
Molecular consequence: missense variant.
Genome position (GRCh38, 1-based): chrX:53,536,650, C>G on the plus strand (G>C on the coding strand, the complement: HUWE1 is on the minus strand). VCF-style: chrX-53536650-C-G. GRCh37 (hg19) VCF-style: chrX-53563611-C-G.
Other names: c.12107G>C, p.Gly4036Ala (NM_001441048.1, NM_001441053.1, NM_001441058.1); c.12110G>C, p.Gly4037Ala (NM_001441049.1, NM_001441054.1); c.12131G>C, p.Gly4044Ala (NM_001441050.1, NM_001441055.1); c.12152G>C, p.Gly4051Ala (NM_001441051.1, NM_001441056.1); c.11753G>C, p.Gly3918Ala (NM_001441052.1); c.12155G>C, p.Gly4052Ala (NM_001441057.1); short protein forms G3918A, G4036A, G4037A, G4044A, G4051A, G4052A.
Identifiers: ClinVar variation 4801035 (VCV004801035.1).

ClinVar aggregate classification (germline): Uncertain significance (1 of 4 stars; one submission).

Submission:

Labcorp Genetics (formerly Invitae), Labcorp
Classification: Uncertain significance. Last evaluated: 2025-02-04. Review status: criteria provided, single submitter. Criteria: Invitae Variant Classification Sherloc (09022015). Collection method: clinical testing. Allele origin: germline.
Comment: This sequence change replaces glycine, which is neutral and non-polar, with alanine, which is neutral and non-polar, at codon 4052 of the HUWE1 protein (p.Gly4052Ala). This variant is not present in population databases (gnomAD no frequency). This variant has not been reported in the literature in individuals affected with HUWE1-related conditions. Invitae Evidence Modeling of protein sequence and biophysical properties (such as structural, functional, and spatial information, amino acid conservation, physicochemical variation, residue mobility, and thermodynamic stability) indicates that this missense variant is expected to disrupt HUWE1 protein function with a positive predictive value of 95%. In summary, the available evidence is currently insufficient to determine the role of this variant in disease. Therefore, it has been classified as a Variant of Uncertain Significance.